The following is an entry in ClinVar:

ClinVar aggregate classification (germline): Pathogenic. Review status: criteria provided, single submitter (1 of 4 stars). 2 submissions from 2 submitters: Pathogenic (1). 1 of the submissions does not count toward it. Last evaluated 2024-04-08.

Conditions:
Combined oxidative phosphorylation defect type 17. Also called: Combined oxidative phosphorylation deficiency 17. Identifiers: Orphanet 369913, MedGen C3809526, MONDO:0014190, OMIM 615440.
Prostate cancer, hereditary, 2 (HPC2). Identifiers: Orphanet 1331, MedGen C3539120, MONDO:0013872, OMIM 614731.

Allele frequency attached by ClinVar (database versions not stated): gnomAD 0.00001; gnomAD exomes 0.00001; TOPMed 0.00001.

Submissions (2):

Labcorp Genetics (formerly Invitae), Labcorp
Classification: Pathogenic for Combined oxidative phosphorylation defect type 17. Last evaluated: 2024-04-08. Review status: criteria provided, single submitter. Criteria: Invitae Variant Classification Sherloc (09022015). Collection method: clinical testing. Allele origin: germline.
Comment: This sequence change creates a premature translational stop signal (p.His548Alafs*68) in the ELAC2 gene. It is expected to result in an absent or disrupted protein product. Loss-of-function variants in ELAC2 are known to be pathogenic (PMID: 27769300, 31045291). This variant is not present in population databases (gnomAD no frequency). This variant has not been reported in the literature in individuals affected with ELAC2-related conditions. ClinVar contains an entry for this variant (Variation ID: 5057). For these reasons, this variant has been classified as Pathogenic.

OMIM
Classification: Pathogenic for PROSTATE CANCER, HEREDITARY, 2. Last evaluated: 2001-02-01. Review status: no assertion criteria provided. Collection method: literature only. Allele origin: germline. Not counted in ClinVar's aggregate classification.

Literature cited by the submitters: PubMed 27769300 (cited by Labcorp Genetics (formerly Invitae), Labcorp); PubMed 31045291 (cited by Labcorp Genetics (formerly Invitae), Labcorp); PubMed 11175785 (cited by OMIM).

NM_018127.6(ELAC2):c.1641dup (p.His548Alafs)

Gene: ELAC2 (elaC ribonuclease Z 2; minus strand). Cytogenetic location: 17p12.
Variant type: Duplication.
Coding change: c.1641dup on transcript NM_018127.6; coding-DNA position 1641, one base duplicated (G; older notation c.1641dupG).
Protein change: p.His548Alafs; shifts the reading frame from histidine 548.
Molecular consequence: frameshift variant (on NM_018127.7).
Genome position (GRCh38, 1-based): chr17:12,996,565, C duplicated on the plus strand (G on the coding strand, the reverse complement: ELAC2 is on the minus strand). VCF-style (leftmost placement, unchanged base first): chr17-12996564-G-GC. GRCh37 (hg19) VCF-style: chr17-12899881-G-GC.
Other names: c.1521dup, p.His508fs (NM_001165962.2); c.1641dup, p.His548fs (NM_018127.7); c.1638dup, p.His547fs (NM_173717.2); short protein forms H508fs, H547fs, H548fs.
Identifiers: ClinVar variation 5057 (VCV000005057.3), dbSNP rs387906327, ClinGen allele CA117234.